The following is an entry in ClinVar:

ClinVar aggregate classification (germline): Benign. Review status: criteria provided, multiple submitters, no conflicts (2 of 4 stars). 3 submissions from 3 submitters: Benign (3). Last evaluated 2023-11-12.

Allele frequency attached by ClinVar (database versions not stated): 1000 Genomes Project 0.15715; ExAC 0.19577; ESP Exome Variant Server 0.19752; 1000 Genomes Project 30x 0.15646; TOPMed 0.17337.
gnomAD v4.1: 351,834 of 1,612,350 alleles (22%); highest among the groups gnomAD compares: South Asian, 29%; 40,618 homozygotes.

Submissions (3):

Unidad de Genómica Garrahan, Hospital de Pediatría Garrahan
Classification: Benign. Last evaluated: 2023-11-12. Review status: criteria provided, single submitter. Criteria: ACMG Guidelines, 2015. Collection method: clinical testing. Allele origin: germline. Affected: no. Observed: 23 variant alleles.
Comment: This variant is classified as Benign based on local population frequency. This variant was detected in 24% of patients studied by a panel of primary immunodeficiencies. Number of patients: 23. Only high quality variants are reported.

GeneDx
Classification: Benign. Last evaluated: 2018-11-10. Review status: criteria provided, single submitter. Criteria: GeneDx Variant Classification Process June 2021. Collection method: clinical testing. Allele origin: germline. Affected: yes.

Breakthrough Genomics
Classification: Benign. Review status: criteria provided, single submitter. Criteria: ACMG Guidelines, 2015. Collection method: not provided. Allele origin: germline. Inheritance: Autosomal recessive inheritance. Affected: yes.

NM_001242.5(CD27):c.136+32G>C

Genes: CD27 (CD27 molecule; plus strand), CD27-AS1 (CD27 antisense RNA 1; minus strand). Cytogenetic location: 12p13.31.
Variant type: single nucleotide variant.
Coding change: c.136+32G>C on transcript NM_001242.5 (MANE Select); 32 bases into the intron after coding-DNA position 136, G replaced by C.
Molecular consequence: intron variant.
Genome position (GRCh38, 1-based): chr12:6,445,263, G>C. VCF-style: chr12-6445263-G-C. GRCh37 (hg19) VCF-style: chr12-6554429-G-C.
Identifiers: ClinVar variation 1225398 (VCV001225398.6), dbSNP rs2534719, ClinGen allele CA6406879.
Genomic context (GRCh38, chr12:6,445,263, plus strand): 5'-AAAGCTGTGCTGCCAGATGTGTGAGCCAGGTAAGAGGGGGCCTTGGTAAGGGCCAGGTGA[G>C]TGGCGAAAGAGAGAGGACTGGGGTTAATACAGTAAATAGGCGCAGGGTGAGACTGAGCTC-3'